The following is an entry in ClinVar:

ClinVar aggregate classification (germline): Pathogenic (1 of 4 stars; one submission).

Conditions:
Deficiency of malonyl-CoA decarboxylase. Also called: Malonic aciduria; MCD deficiency. Identifiers: Orphanet 943, MedGen C0342793, MONDO:0009556, OMIM 248360.

Submission:

Labcorp Genetics (formerly Invitae), Labcorp
Classification: Pathogenic for Deficiency of malonyl-CoA decarboxylase. Last evaluated: 2023-08-05. Review status: criteria provided, single submitter. Criteria: Invitae Variant Classification Sherloc (09022015). Collection method: clinical testing. Allele origin: germline.
Comment: This variant has not been reported in the literature in individuals affected with MLYCD-related conditions. This sequence change creates a premature translational stop signal (p.Gly304*) in the MLYCD gene. While this is not anticipated to result in nonsense mediated decay, it is expected to disrupt the last 190 amino acid(s) of the MLYCD protein. This variant is not present in population databases (gnomAD no frequency). This variant disrupts a region of the MLYCD protein in which other variant(s) (p.Trp384_Gln386del) have been determined to be pathogenic (PMID: 12955715). This suggests that this is a clinically significant region of the protein, and that variants that disrupt it are likely to be disease-causing. For these reasons, this variant has been classified as Pathogenic.

Literature cited by the submitters: PubMed 12955715.

NM_012213.3(MLYCD):c.910G>T (p.Gly304Ter)

Genes: MLYCD (malonyl-CoA decarboxylase; plus strand), LOC126862422 (CDK7 strongly-dependent group 2 enhancer GRCh37_chr16:83945234-83946433; plus strand). Cytogenetic location: 16q23.3.
Variant type: single nucleotide variant.
Coding change: c.910G>T on transcript NM_012213.3 (MANE Select); coding-DNA position 910, G replaced by T.
Protein change: p.Gly304Ter; replaces glycine 304 with a stop codon.
Molecular consequence: nonsense.
Genome position (GRCh38, 1-based): chr16:83,912,329, G>T. VCF-style: chr16-83912329-G-T. GRCh37 (hg19) VCF-style: chr16-83945934-G-T.
Other names: short protein forms G304*.
Identifiers: ClinVar variation 2750438 (VCV002750438.3), dbSNP rs2507387607, ClinGen allele CA396919353.